The following is an entry in ClinVar:

ClinVar aggregate classification (germline): Conflicting classifications of pathogenicity. Review status: criteria provided, conflicting classifications (1 of 4 stars). 2 submissions from 2 submitters: Uncertain significance (1); Likely benign (1). Last evaluated 2025-09-24.

Submissions (2):

Labcorp Genetics (formerly Invitae), Labcorp
Classification: Likely benign. Last evaluated: 2025-09-24. Review status: criteria provided, single submitter. Criteria: Invitae Variant Classification Sherloc (09022015). Collection method: clinical testing. Allele origin: germline.

GeneDx
Classification: Uncertain significance. Last evaluated: 2022-01-27. Review status: criteria provided, single submitter. Criteria: GeneDx Variant Classification Process June 2021. Collection method: clinical testing. Allele origin: germline. Affected: yes.
Comment: Has not been previously published as pathogenic or benign to our knowledge; In-silico analysis is inconclusive as to whether the variant alters gene splicing. In the absence of RNA/functional studies, the actual effect of this sequence change is unknown.

NM_031407.7(HUWE1):c.6031-14TTC[3]

Gene: HUWE1 (HECT, UBA and WWE domain containing E3 ubiquitin protein ligase 1; minus strand). Cytogenetic location: Xp11.22.
Variant type: Microsatellite.
Coding change: c.6031-14TTC[3] on transcript NM_031407.7 (MANE Select); three copies in a row of the 3-base unit TTC starting at c.6031-14; the reference has four copies in a row; one copy, 3 bases deleted.
Molecular consequence: intron variant.
Genome position (GRCh38, 1-based): chrX:53,575,224-53,575,226, GAA deleted on the plus strand (TTC on the coding strand, the reverse complement: HUWE1 is on the minus strand); deleting any 3 consecutive bases within chrX:53,575,224-53,575,235 gives the same sequence; the position shown is the placement nearest the transcript's 3' end. VCF-style (leftmost placement, unchanged base first): chrX-53575223-TGAA-T. GRCh37 (hg19) VCF-style: chrX-53602183-TGAA-T.
Identifiers: ClinVar variation 1699765 (VCV001699765.3), dbSNP rs782420395, ClinGen allele CA10422152.